The following is an entry in ClinVar:

NM_194277.3(FRMD7):c.339C>A (p.Cys113Ter)

Gene: FRMD7 (FERM domain containing 7; minus strand). Cytogenetic location: Xq26.2.
Variant type: single nucleotide variant.
Coding change: c.339C>A on transcript NM_194277.3 (MANE Select); coding-DNA position 339, C replaced by A.
Protein change: p.Cys113Ter; replaces cysteine 113 with a stop codon.
Molecular consequence: nonsense.
Genome position (GRCh38, 1-based): chrX:132,094,085, G>T on the plus strand (C>A on the coding strand, the complement: FRMD7 is on the minus strand). VCF-style: chrX-132094085-G-T. GRCh37 (hg19) VCF-style: chrX-131228113-G-T.
Other names: c.294C>A, p.Cys98Ter (NM_001306193.2); short protein forms C113*, C98*.
Identifiers: ClinVar variation 3641510 (VCV003641510.2).

ClinVar aggregate classification (germline): Pathogenic (1 of 4 stars; one submission).

Submission:

Labcorp Genetics (formerly Invitae), Labcorp
Classification: Pathogenic. Last evaluated: 2024-02-17. Review status: criteria provided, single submitter. Criteria: Invitae Variant Classification Sherloc (09022015). Collection method: clinical testing. Allele origin: germline.
Comment: This sequence change creates a premature translational stop signal (p.Cys113*) in the FRMD7 gene. It is expected to result in an absent or disrupted protein product. Loss-of-function variants in FRMD7 are known to be pathogenic (PMID: 17013395). This variant is not present in population databases (gnomAD no frequency). This variant has not been reported in the literature in individuals affected with FRMD7-related conditions. For these reasons, this variant has been classified as Pathogenic.

Literature cited by the submitters: PubMed 17013395.